The following is an entry in ClinVar:

ClinVar aggregate classification (germline): Uncertain significance. Review status: criteria provided, multiple submitters, no conflicts (2 of 4 stars). 2 submissions from 2 submitters: Uncertain significance (2). Last evaluated 2026-08-11.

Conditions:
Hereditary cancer-predisposing syndrome. Also called: Tumor predisposition; Hereditary Cancer Syndrome; Hereditary neoplastic syndrome; Neoplastic Syndromes, Hereditary. Identifiers: Orphanet 140162, MedGen C0027672, MeSH D009386, MONDO:0015356.
Multiple endocrine neoplasia, type 2 (MEN2). Identifiers: Orphanet 653, MedGen C4048306, MONDO:0019003. Disease mechanism: gain of function.

Submissions (2):

Ambry Genetics
Classification: Uncertain significance for Hereditary cancer-predisposing syndrome. Last evaluated: 2026-08-11. Review status: criteria provided, single submitter. Criteria: Ambry Variant Classification Scheme 2023. Collection method: clinical testing. Allele origin: germline.
Comment: The c.3247_3254delACTAACAC variant, located in coding exon 20 of the RET gene, results from a deletion of 8 nucleotides at nucleotide positions 3247 to 3254, causing a translational frameshift with a predicted alternate stop codon (p.T1083Wfs*8). This variant occurs at the 3' terminus of the gene, is not expected to trigger nonsense-mediated mRNAdecay, and impacts the last 2% of the protein. The exact functional effect of this variant is unknown. Based on the available evidence, the clinical significance of this variant remains unclear.

Labcorp Genetics (formerly Invitae), Labcorp
Classification: Uncertain significance for Multiple endocrine neoplasia, type 2. Last evaluated: 2020-06-04. Review status: criteria provided, single submitter. Criteria: Invitae Variant Classification Sherloc (09022015). Collection method: clinical testing. Allele origin: germline.
Comment: Experimental studies and prediction algorithms are not available or were not evaluated, and the functional significance of this variant is currently unknown. In summary, the available evidence is currently insufficient to determine the role of this variant in disease. Therefore, it has been classified as a Variant of Uncertain Significance. This variant has not been reported in the literature in individuals with RET-related conditions. This variant is not present in population databases (ExAC no frequency). This sequence change results in a premature translational stop signal in the RET gene (p.Thr1083Trpfs*8). While this is not anticipated to result in nonsense mediated decay, it is expected to disrupt the last 32 amino acids of the RET protein.

NM_020975.6(RET):c.3247_3254del (p.Thr1083fs)

Gene: RET (ret proto-oncogene; plus strand). Cytogenetic location: 10q11.21.
Variant type: Deletion.
Coding change: c.3247_3254del on transcript NM_020975.6 (MANE Select); coding-DNA positions 3247 to 3254, 8 bases deleted (ACTAACAC; older notation c.3247_3254delACTAACAC).
Protein change: p.Thr1083fs; shifts the reading frame from threonine 1083.
Molecular consequence: frameshift variant.
Genome position (GRCh38, 1-based): chr10:43,128,171-43,128,178, ACTAACAC deleted; deleting any 8 consecutive bases within chr10:43,128,170-43,128,178 gives the same sequence; the c. name uses the placement nearest the transcript's 3' end. VCF-style (leftmost placement, unchanged base first): chr10-43128169-GCACTAACA-G. GRCh37 (hg19) VCF-style: chr10-43623617-GCACTAACA-G.
Other names: c.3247_3254delACTAACAC (NM_020975.4); short protein forms T1083fs.
Identifiers: ClinVar variation 1017166 (VCV001017166.7), dbSNP rs1838375749, ClinGen allele CA1905830575.